The following is an entry in ClinVar:

ClinVar aggregate classification (germline): Benign (0 of 4 stars; one submission).

Conditions:
ZNF687-related disorder. Also called: ZNF687-related condition.

Allele frequency attached by ClinVar (database versions not stated): ExAC 0.00317; ESP Exome Variant Server 0.00767; 1000 Genomes Project 0.01158; gnomAD 0.01185; 1000 Genomes Project 30x 0.01280; TOPMed 0.01371.
gnomAD v4.1: 3,641 of 1,598,246 alleles (0.23%); highest among the groups gnomAD compares: African/African-American, 4.2%; 80 homozygotes.

Submission:

PreventionGenetics, part of Exact Sciences
Classification: Benign for ZNF687-related condition. Last evaluated: 2019-09-24. Review status: no assertion criteria provided. Collection method: clinical testing. Allele origin: germline.
Comment: This variant is classified as benign based on ACMG/AMP sequence variant interpretation guidelines (Richards et al. 2015 PMID: 25741868, with internal and published modifications).

NM_020832.3(ZNF687):c.*10C>G

Gene: ZNF687 (zinc finger protein 687; plus strand). Cytogenetic location: 1q21.3.
Variant type: single nucleotide variant.
Coding change: c.*10C>G on transcript NM_020832.3 (MANE Select); 10 bases downstream of the stop codon, C replaced by G.
Molecular consequence: 3 prime UTR variant.
Genome position (GRCh38, 1-based): chr1:151,291,219, C>G. VCF-style: chr1-151291219-C-G. GRCh37 (hg19) VCF-style: chr1-151263695-C-G.
Other names: c.*10C>G (NM_001304763.2, NM_001304764.2).
Identifiers: ClinVar variation 3044761 (VCV003044761.2), dbSNP rs76680844, ClinGen allele CA1088935.